The following is an entry in ClinVar:

ClinVar aggregate classification (germline): Conflicting classifications of pathogenicity. Review status: criteria provided, conflicting classifications (1 of 4 stars). 4 submissions from 4 submitters: Uncertain significance (3); Likely benign (1). Last evaluated 2025-07-29.

Conditions:
Cardiovascular phenotype. Identifiers: MedGen CN230736.
Familial isolated arrhythmogenic right ventricular dysplasia. Identifiers: Orphanet 217656, MedGen C4274968, MONDO:0016342.
Arrhythmogenic right ventricular dysplasia 11. Also called: ARRHYTHMOGENIC RIGHT VENTRICULAR DYSPLASIA, FAMILIAL, 11; Arrhythmogenic Right Ventricular Dysplasia/Cardiomyopathy11; Arrhythmogenic right ventricular dysplasia 11 with mild palmoplantar keratoderma and woolly hair. Identifiers: MedGen C1864850, MONDO:0012506, OMIM 610476.
Cardiomyopathy (CMYO). Also called: Cardiomyopathies. Identifiers: Orphanet 167848, MedGen C0878544, MONDO:0004994, HP:0001638. Inheritance: Various modes of inheritance.

Allele frequency attached by ClinVar (database versions not stated): gnomAD 0.00001; gnomAD exomes 0.00001 and below 0.00001; TOPMed 0.00001.
gnomAD v4.1: 5 of 1,613,634 alleles (0.00031%); highest among the groups gnomAD compares: Non-Finnish European, 0.00042%; no homozygotes.

Submissions (4):

Ambry Genetics
Classification: Likely benign for Cardiovascular phenotype. Last evaluated: 2025-07-29. Review status: criteria provided, single submitter. Criteria: Ambry Variant Classification Scheme 2023. Collection method: clinical testing. Allele origin: germline.

Labcorp Genetics (formerly Invitae), Labcorp
Classification: Uncertain significance for Arrhythmogenic right ventricular dysplasia 11. Last evaluated: 2025-06-11. Review status: criteria provided, single submitter. Criteria: Invitae Variant Classification Sherloc (09022015). Collection method: clinical testing. Allele origin: germline.
Comment: This sequence change replaces glycine, which is neutral and non-polar, with glutamic acid, which is acidic and polar, at codon 516 of the DSC2 protein (p.Gly516Glu). This variant is present in population databases (no rsID available, gnomAD 0.0009%). This variant has not been reported in the literature in individuals affected with DSC2-related conditions. ClinVar contains an entry for this variant (Variation ID: 919438). Invitae Evidence Modeling of protein sequence and biophysical properties (such as structural, functional, and spatial information, amino acid conservation, physicochemical variation, residue mobility, and thermodynamic stability) indicates that this missense variant is not expected to disrupt DSC2 protein function with a negative predictive value of 80%. In summary, the available evidence is currently insufficient to determine the role of this variant in disease. Therefore, it has been classified as a Variant of Uncertain Significance.

All of Us Research Program, National Institutes of Health
Classification: Uncertain significance for Familial isolated arrhythmogenic right ventricular dysplasia. Last evaluated: 2024-07-20. Review status: criteria provided, single submitter. Criteria: ACMG Guidelines, 2015. Collection method: clinical testing. Allele origin: germline. Inheritance: Autosomal dominant inheritance. Observed: 7 variant alleles, 7 heterozygotes.
Comment: This missense variant replaces glycine with glutamic acid at codon 516 of the DSC2 protein. Computational prediction suggests that this variant may not impact protein structure and function (internally defined REVEL score threshold <= 0.5, PMID: 27666373). Splice site prediction tools suggest that this variant may not impact RNA splicing. To our knowledge, functional studies have not been performed for this variant. This variant has not been reported in individuals affected with cardiovascular disorders in the literature. This variant has been identified in 1/251112 chromosomes in the general population by the Genome Aggregation Database (gnomAD). The available evidence is insufficient to determine the role of this variant in disease conclusively. Therefore, this variant is classified as a Variant of Uncertain Significance.

This study involves interpretation of variants in research participants for the purpose of population health screening. Participant phenotype was not available at the time of variant classification. Additional details can be found in publication PMID: 35346344, PMCID: PMC8962531

Color Diagnostics, LLC DBA Color Health
Classification: Uncertain significance for Cardiomyopathy. Last evaluated: 2024-05-23. Review status: criteria provided, single submitter. Criteria: ACMG Guidelines, 2015. Collection method: clinical testing. Allele origin: germline.
Comment: This missense variant replaces glycine with glutamic acid at codon 516 of the DSC2 protein. Computational prediction suggests that this variant may not impact protein structure and function. To our knowledge, functional studies have not been reported for this variant. This variant has not been reported in individuals affected with DSC2-related disorders in the literature. This variant has been identified in 1/251112 chromosomes in the general population by the Genome Aggregation Database (gnomAD). The available evidence is insufficient to determine the role of this variant in disease conclusively. Therefore, this variant is classified as a Variant of Uncertain Significance.

NM_024422.6(DSC2):c.1547G>A (p.Gly516Glu)

Gene: DSC2 (desmocollin 2; minus strand). Cytogenetic location: 18q12.1.
Variant type: single nucleotide variant.
Coding change: c.1547G>A on transcript NM_024422.6 (MANE Select); coding-DNA position 1547, G replaced by A.
Protein change: p.Gly516Glu; replaces glycine 516 with glutamic acid.
Molecular consequence: missense variant.
Genome position (GRCh38, 1-based): chr18:31,079,963, C>T on the plus strand (G>A on the coding strand, the complement: DSC2 is on the minus strand). VCF-style: chr18-31079963-C-T. GRCh37 (hg19) VCF-style: chr18-28659929-C-T.
Other names: c.1547G>A, p.Gly516Glu (NM_004949.5); short protein forms G516E.
Identifiers: ClinVar variation 919438 (VCV000919438.15), dbSNP rs1402893994, ClinGen allele CA402108208.